The following is an entry in ClinVar:

ClinVar aggregate classification (germline): Benign. Review status: criteria provided, single submitter (1 of 4 stars). 2 submissions from 1 submitter: Benign (2). Last evaluated 2018-01-12.

Conditions:
Waardenburg syndrome type 2A (WS2A). Also called: WAARDENBURG SYNDROME WITHOUT DYSTOPIA CANTHORUM. Identifiers: Orphanet 3440, MedGen C1860339, MONDO:0008671, OMIM 193510.
Tietz syndrome (TADS). Also called: ALBINISM-DEAFNESS OF TIETZ; HYPOPIGMENTATION/DEAFNESS OF TIETZ; TIETZ ALBINISM-DEAFNESS SYNDROME. Identifiers: Orphanet 42665, MedGen C0391816, MONDO:0007077, OMIM 103500.

Allele frequency attached by ClinVar (database versions not stated): gnomAD exomes 0.00045; gnomAD 0.00145 and 0.00150; TOPMed 0.00172; 1000 Genomes Project 0.00280; 1000 Genomes Project 30x 0.00281.
gnomAD v4.1: 254 of 230,438 alleles (0.11%); highest among the groups gnomAD compares: African/African-American, 0.44%; no homozygotes.

Submissions (2):

Illumina Laboratory Services, Illumina
Classification: Benign for Tietz syndrome. Last evaluated: 2018-01-12. Review status: criteria provided, single submitter. Criteria: ICSL Variant Classification Criteria 13 December 2019. Collection method: clinical testing. Allele origin: germline.
Comment: This variant was observed in the ICSL laboratory as part of a predisposition screen in an ostensibly healthy population. It had not been previously curated by ICSL or reported in the Human Gene Mutation Database (HGMD: prior to June 1st, 2018), and was therefore a candidate for classification through an automated scoring system. Utilizing variant allele frequency, disease prevalence and penetrance estimates, and inheritance mode, an automated score was calculated to assess if this variant is too frequent to cause the disease. Based on the score and internal cut-off values, a variant classified as benign is not then subjected to further curation. The score for this variant resulted in a classification of benign for this disease.

Illumina Laboratory Services, Illumina
Classification: Benign for Waardenburg syndrome type 2A. Last evaluated: 2018-01-12. Review status: criteria provided, single submitter. Criteria: ICSL Variant Classification Criteria 13 December 2019. Collection method: clinical testing. Allele origin: germline.
Comment: the same text as in the submission from Illumina Laboratory Services, Illumina above.

NM_001354604.2(MITF):c.*3033A>G

Gene: MITF (melanocyte inducing transcription factor; plus strand). Cytogenetic location: 3p13.
Variant type: single nucleotide variant.
Coding change: c.*3033A>G on transcript NM_001354604.2 (MANE Select); 3033 bases downstream of the stop codon, A replaced by G.
Molecular consequence: 3 prime UTR variant.
Genome position (GRCh38, 1-based): chr3:69,968,281, A>G. VCF-style: chr3-69968281-A-G. GRCh37 (hg19) VCF-style: chr3-70017432-A-G.
Other names: c.*3033A>G (NM_000248.4, NM_001184967.2, NM_001354605.2 and 8 more transcripts).
Identifiers: ClinVar variation 346543 (VCV000346543.5), dbSNP rs139770177, ClinGen allele CA10619423.